The following is an entry in ClinVar:

NM_020134.4(DPYSL5):c.597C>T (p.Ala199=)

Gene: DPYSL5 (dihydropyrimidinase like 5; plus strand). Cytogenetic location: 2p23.3.
Variant type: single nucleotide variant.
Coding change: c.597C>T on transcript NM_020134.4 (MANE Select); coding-DNA position 597, C replaced by T.
Protein change: p.Ala199=; no amino-acid change (alanine 199 retained).
Molecular consequence: synonymous variant.
Genome position (GRCh38, 1-based): chr2:26,927,429, C>T. VCF-style: chr2-26927429-C-T. GRCh37 (hg19) VCF-style: chr2-27150297-C-T.
Other names: c.597C>T, p.Ala199= (NM_001253723.2, NM_001253724.2).
Identifiers: ClinVar variation 2650753 (VCV002650753.24), dbSNP rs140591019, ClinGen allele CA1566157.

ClinVar aggregate classification (germline): Likely benign (1 of 4 stars; one submission).

Allele frequency attached by ClinVar (database versions not stated): 1000 Genomes Project 30x 0.00062; 1000 Genomes Project 0.00080; TOPMed 0.00134; gnomAD exomes 0.00206; ESP Exome Variant Server 0.00208; gnomAD 0.00251; ExAC 0.00290.
gnomAD v4.1: 3,399 of 1,613,476 alleles (0.21%); highest among the groups gnomAD compares: Non-Finnish European, 0.17%; 7 homozygotes.

Submission:

CeGaT Center for Human Genetics Tuebingen
Classification: Likely benign. Last evaluated: 2025-01-01. Review status: criteria provided, single submitter. Criteria: CeGaT Center For Human Genetics Tuebingen Variant Classification Criteria Version 2. Collection method: clinical testing. Allele origin: germline. Affected: yes. Observed: 4 variant alleles.
Comment: DPYSL5: BP4, BP7